The following is an entry in ClinVar:

ClinVar aggregate classification (germline): Uncertain significance (1 of 4 stars; one submission).

Conditions:
NRIP1-related disorder. Also called: NRIP1-related condition.

gnomAD v4.1: 1 of 1,614,070 alleles (0.000062%); highest among the groups gnomAD compares: East Asian, 0.0022%; no homozygotes.

Submission:

PreventionGenetics, part of Exact Sciences
Classification: Uncertain significance for NRIP1-related condition. Last evaluated: 2026-08-17. Review status: criteria provided, single submitter. Criteria: ACMG Guidelines, 2015. Collection method: clinical testing. Allele origin: germline.
Comment: The NRIP1 c.1012G>A variant is predicted to result in the amino acid substitution p.Ala338Thr. To our knowledge, this variant has not been reported in the literature or in a large population database (gnomAD), indicating this variant is rare. At this time, the clinical significance of this variant is uncertain due to the absence of conclusive functional and genetic evidence.

NM_003489.4(NRIP1):c.1012G>A (p.Ala338Thr)

Gene: NRIP1 (nuclear receptor interacting protein 1; minus strand). Cytogenetic location: 21q11.2.
Variant type: single nucleotide variant.
Coding change: c.1012G>A on transcript NM_003489.4 (MANE Select); coding-DNA position 1012, G replaced by A.
Protein change: p.Ala338Thr; replaces alanine 338 with threonine.
Molecular consequence: missense variant.
Genome position (GRCh38, 1-based): chr21:14,967,181, C>T on the plus strand (G>A on the coding strand, the complement: NRIP1 is on the minus strand). VCF-style: chr21-14967181-C-T. GRCh37 (hg19) VCF-style: chr21-16339502-C-T.
Other names: c.1012G>A, p.Ala338Thr (NM_001439275.1, NM_001439276.1, NM_001439277.1 and 10 more transcripts); short protein forms A338T.
Identifiers: ClinVar variation 4998078 (VCV004998078.1).
Genomic context (GRCh38, chr21:14,967,181, plus strand): 5'-TAGGGGAAGAAGGAATGATACCCATTGGATTTTGAAACACTGTAGCACTACTTTTGCTAG[C>T]CATCAGTTTGCTTGATGATGTTCTTGCCTGACCATTAAGATGGCTTGACATTCCTTTTGG-3'
Protein context (NP_003480.2, residues 328-348): QARTSSSKLM[Ala338Thr]SKSSATVFQN